The following is an entry in ClinVar:

NM_000258.3(MYL3):c.389A>G (p.Tyr130Cys)

Gene: MYL3 (myosin light chain 3; minus strand). Cytogenetic location: 3p21.31.
Variant type: single nucleotide variant.
Coding change: c.389A>G on transcript NM_000258.3 (MANE Select); coding-DNA position 389, A replaced by G.
Protein change: p.Tyr130Cys; replaces tyrosine 130 with cysteine.
Molecular consequence: missense variant.
Genome position (GRCh38, 1-based): chr3:46,859,567, T>C on the plus strand (A>G on the coding strand, the complement: MYL3 is on the minus strand). VCF-style: chr3-46859567-T-C. GRCh37 (hg19) VCF-style: chr3-46901057-T-C.
Other names: c.389A>G, p.Tyr130Cys (NM_001406937.1, NM_001406938.1, NM_001406939.1); c.215A>G, p.Tyr72Cys (NM_001406940.1, NM_001406941.1); short protein forms Y130C, Y72C.
Identifiers: ClinVar variation 2860353 (VCV002860353.3), dbSNP rs750382223, ClinGen allele CA352496260.
Genomic context (GRCh38, chr3:46,859,567, plus strand): 5'-CCCATGACAGTGCCATTGCCCTCCTTGTCGAAGACCCGCAGCCCCTCCACGAAGTCCTCA[T>C]AGGTGCCTGTGTCCTTGTTCTTGGAAATGTGCTGGAGCATAGGCAGGAAAGTTTCAAAGT-3'
Protein context (NP_000249.1, residues 120-140): HISKNKDTGT[Tyr130Cys]EDFVEGLRVF

ClinVar aggregate classification (germline): Uncertain significance (1 of 4 stars; one submission).

Conditions:
Hypertrophic cardiomyopathy. Also called: HYPERTROPHIC MYOCARDIOPATHY. Identifiers: Orphanet 217569, MedGen C0007194, MeSH D002312, MONDO:0005045, HP:0001639.

Submission:

Labcorp Genetics (formerly Invitae), Labcorp
Classification: Uncertain significance for Hypertrophic cardiomyopathy. Last evaluated: 2023-10-29. Review status: criteria provided, single submitter. Criteria: Invitae Variant Classification Sherloc (09022015). Collection method: clinical testing. Allele origin: germline.
Comment: This sequence change replaces tyrosine, which is neutral and polar, with cysteine, which is neutral and slightly polar, at codon 130 of the MYL3 protein (p.Tyr130Cys). This variant is present in population databases (no rsID available, gnomAD 0.02%). This variant has not been reported in the literature in individuals affected with MYL3-related conditions. An algorithm developed to predict the effect of missense changes on protein structure and function (PolyPhen-2) suggests that this variant is likely to be disruptive. In summary, the available evidence is currently insufficient to determine the role of this variant in disease. Therefore, it has been classified as a Variant of Uncertain Significance.